The following is an entry in ClinVar:

NM_000059.4(BRCA2):c.6393A>T (p.Lys2131Asn)

Gene: BRCA2 (BRCA2 DNA repair associated; plus strand). Cytogenetic location: 13q13.1.
Variant type: single nucleotide variant.
Coding change: c.6393A>T on transcript NM_000059.4 (MANE Select); coding-DNA position 6393, A replaced by T.
Protein change: p.Lys2131Asn; replaces lysine 2131 with asparagine.
Molecular consequence: missense variant.
Genome position (GRCh38, 1-based): chr13:32,340,748, A>T. VCF-style: chr13-32340748-A-T. GRCh37 (hg19) VCF-style: chr13-32914885-A-T.
Other names: short protein forms K2131N.
Identifiers: ClinVar variation 1171833 (VCV001171833.15), dbSNP rs765669556, ClinGen allele CA6940948.

ClinVar aggregate classification (germline): Conflicting classifications of pathogenicity. Review status: criteria provided, conflicting classifications (1 of 4 stars). 6 submissions from 6 submitters: Uncertain significance (4); Likely benign (2). Last evaluated 2025-06-19.

Conditions:
Hereditary cancer-predisposing syndrome. Also called: Hereditary neoplastic syndrome; Neoplastic Syndromes, Hereditary; Hereditary Cancer Syndrome; Tumor predisposition. Identifiers: Orphanet 140162, MedGen C0027672, MeSH D009386, MONDO:0015356.
Familial cancer of breast. Also called: Hereditary breast cancer; BREAST CANCER, FAMILIAL; hereditary breast carcinoma. Identifiers: Orphanet 227535, MedGen C0346153, MONDO:0016419, OMIM 114480. Disease mechanism: loss of function.
Breast-ovarian cancer, familial, susceptibility to, 2 (BROVCA2). Also called: BRCA2 Hereditary Breast and Ovarian Cancer. Identifiers: Orphanet 145, MedGen C2675520, MONDO:0012933, OMIM 612555. Disease mechanism: loss of function.
Hereditary breast ovarian cancer syndrome. Also called: Hereditary breast and ovarian cancer syndrome; Hereditary breast and/or ovarian cancer syndrome; BRCA1- and BRCA2-Associated Hereditary Breast and Ovarian Cancer; Hereditary breast and ovarian cancer syndrome (HBOC); Breast and ovarian cancer; Hereditary breast and ovarian cancer. Identifiers: Orphanet 145, MedGen C0677776, MeSH D061325, MONDO:0003582. Disease mechanism: loss of function.

Allele frequency attached by ClinVar (database versions not stated): gnomAD exomes below 0.00001; ExAC 0.00001.
gnomAD v4.1: 2 of 1,605,660 alleles (0.00012%); highest among the groups gnomAD compares: South Asian, 0.0022%; no homozygotes.

Submissions (6):

Labcorp Genetics (formerly Invitae), Labcorp
Classification: Uncertain significance for Hereditary breast ovarian cancer syndrome. Last evaluated: 2025-06-19. Review status: criteria provided, single submitter. Criteria: Invitae Variant Classification Sherloc (09022015). Collection method: clinical testing. Allele origin: germline.
Comment: This sequence change replaces lysine, which is basic and polar, with asparagine, which is neutral and polar, at codon 2131 of the BRCA2 protein (p.Lys2131Asn). This variant is present in population databases (rs765669556, gnomAD 0.004%). This variant has not been reported in the literature in individuals affected with BRCA2-related conditions. ClinVar contains an entry for this variant (Variation ID: 1171833). Invitae Evidence Modeling of protein sequence and biophysical properties (such as structural, functional, and spatial information, amino acid conservation, physicochemical variation, residue mobility, and thermodynamic stability) indicates that this missense variant is not expected to disrupt BRCA2 protein function with a negative predictive value of 95%. In summary, the available evidence is currently insufficient to determine the role of this variant in disease. Therefore, it has been classified as a Variant of Uncertain Significance.

Women's Health and Genetics/Laboratory Corporation of America, LabCorp
Classification: Uncertain significance. Last evaluated: 2025-05-23. Review status: criteria provided, single submitter. Criteria: LabCorp Variant Classification Summary - May 2015. Collection method: clinical testing. Allele origin: germline.

University of Washington Department of Laboratory Medicine, University of Washington
Classification: Likely benign for Hereditary cancer-predisposing syndrome. Last evaluated: 2023-03-23. Review status: criteria provided, single submitter. Criteria: Dines et al. (Genet Med. 2020). Collection method: curation. Allele origin: germline.
Comment: Missense variant in a coldspot region where missense variants are very unlikely to be pathogenic (PMID:31911673).

BRCA2 exon 11 coldspot. Reclassification based on statistical prior probability.

Department of Pathology and Laboratory Medicine, Sinai Health System
Classification: Uncertain significance for Familial cancer of breast; Breast-ovarian cancer, familial, susceptibility to, 2. Last evaluated: 2022-06-22. Review status: criteria provided, single submitter. Criteria: ACMG Guidelines, 2015. Collection method: clinical testing. Allele origin: germline. Affected: yes.

Ambry Genetics
Classification: Likely benign for Hereditary cancer-predisposing syndrome. Last evaluated: 2021-08-06. Review status: criteria provided, single submitter. Criteria: Ambry Variant Classification Scheme 2023. Collection method: clinical testing. Allele origin: germline.

Color Diagnostics, LLC DBA Color Health
Classification: Uncertain significance for Hereditary cancer-predisposing syndrome. Last evaluated: 2020-07-27. Review status: criteria provided, single submitter. Criteria: ACMG Guidelines, 2015. Collection method: clinical testing. Allele origin: germline.
Comment: This missense variant replaces lysine with asparagine at codon 2131 of the BRCA2 protein. Computational prediction suggests that this variant may not impact protein structure and function (internally defined REVEL score threshold <= 0.5, PMID: 27666373). To our knowledge, functional studies have not been reported for this variant. This variant has not been reported in individuals affected with hereditary cancer in the literature. This variant has been identified in 1/241088 chromosomes in the general population by the Genome Aggregation Database (gnomAD). The available evidence is insufficient to determine the role of this variant in disease conclusively. Therefore, this variant is classified as a Variant of Uncertain Significance.